The following is an entry in ClinVar:

ClinVar aggregate classification (germline): Uncertain significance (1 of 4 stars; one submission).

Conditions:
Hereditary diffuse gastric adenocarcinoma (HDGC). Also called: DIFFUSE GASTRIC AND LOBULAR BREAST CANCER SYNDROME. Identifiers: Orphanet 26106, MedGen C1708349, MONDO:0007648, OMIM 137215.

gnomAD v4.1: 1 of 1,614,166 alleles (0.000062%); highest among the groups gnomAD compares: Non-Finnish European, 0.000085%; no homozygotes.

Submission:

Labcorp Genetics (formerly Invitae), Labcorp
Classification: Uncertain significance for Hereditary diffuse gastric adenocarcinoma. Last evaluated: 2024-04-22. Review status: criteria provided, single submitter. Criteria: Invitae Variant Classification Sherloc (09022015). Collection method: clinical testing. Allele origin: germline.
Comment: This sequence change replaces asparagine, which is neutral and polar, with lysine, which is basic and polar, at codon 390 of the CDH1 protein (p.Asn390Lys). This variant is not present in population databases (gnomAD no frequency). This variant has not been reported in the literature in individuals affected with CDH1-related conditions. An algorithm developed to predict the effect of missense changes on protein structure and function (PolyPhen-2) suggests that this variant is likely to be tolerated. In summary, the available evidence is currently insufficient to determine the role of this variant in disease. Therefore, it has been classified as a Variant of Uncertain Significance.

NM_004360.5(CDH1):c.1170C>A (p.Asn390Lys)

Gene: CDH1 (cadherin 1; plus strand). Cytogenetic location: 16q22.1.
Variant type: single nucleotide variant.
Coding change: c.1170C>A on transcript NM_004360.5 (MANE Select); coding-DNA position 1170, C replaced by A.
Protein change: p.Asn390Lys; replaces asparagine 390 with lysine.
Molecular consequence: missense variant. On other transcripts: 5 prime UTR variant (2), intron variant (1).
Genome position (GRCh38, 1-based): chr16:68,813,345, C>A. VCF-style: chr16-68813345-C-A. GRCh37 (hg19) VCF-style: chr16-68847248-C-A.
Other names: c.-446C>A (NM_001317185.2); c.-650C>A (NM_001317186.2); c.1137+1082C>A (NM_001317184.2); short protein forms N390K.
Identifiers: ClinVar variation 3650508 (VCV003650508.2).